The following is an entry in ClinVar:

ClinVar aggregate classification (germline): Pathogenic (1 of 4 stars; one submission).

Conditions:
Hereditary cancer-predisposing syndrome. Also called: Neoplastic Syndromes, Hereditary; Tumor predisposition; Hereditary Cancer Syndrome; Hereditary neoplastic syndrome. Identifiers: Orphanet 140162, MedGen C0027672, MeSH D009386, MONDO:0015356.

Submission:

Ambry Genetics
Classification: Pathogenic for Hereditary cancer-predisposing syndrome. Last evaluated: 2020-03-09. Review status: criteria provided, single submitter. Criteria: Ambry Variant Classification Scheme 2023. Collection method: clinical testing. Allele origin: germline.
Comment: The p.E3021* pathogenic mutation (also known as c.9061G>T), located in coding exon 22 of the BRCA2 gene, results from a G to T substitution at nucleotide position 9061. This changes the amino acid from a glutamic acid to a stop codon within coding exon 22. This variant was not reported in population-based cohorts in the Genome Aggregation Database (gnomAD). This alteration is expected to result in loss of function by premature protein truncation or nonsense-mediated mRNA decay. As such, this alteration is interpreted as a disease-causing mutation.

NM_000059.4(BRCA2):c.9061G>T (p.Glu3021Ter)

Gene: BRCA2 (BRCA2 DNA repair associated; plus strand). Cytogenetic location: 13q13.1.
Variant type: single nucleotide variant.
Coding change: c.9061G>T on transcript NM_000059.4 (MANE Select); coding-DNA position 9061, G replaced by T.
Protein change: p.Glu3021Ter; replaces glutamic acid 3021 with a stop codon.
Molecular consequence: nonsense.
Genome position (GRCh38, 1-based): chr13:32,379,857, G>T. VCF-style: chr13-32379857-G-T. GRCh37 (hg19) VCF-style: chr13-32953994-G-T.
Other names: c.8965G>T, p.Glu2989Ter (NM_001406719.1); c.9010G>T, p.Glu3004Ter (NM_001406720.1); c.4129G>T, p.Glu1377Ter (NM_001406721.1); c.2644G>T, p.Glu882Ter (NM_001406722.1); short protein forms E1377*, E3004*, E2989*, E882*, E3021*.
Identifiers: ClinVar variation 1765632 (VCV001765632.2), dbSNP rs1182648647, ClinGen allele CA387757561.